The following is an entry in ClinVar:

NM_020964.3(EPG5):c.4708C>A (p.Pro1570Thr)

Gene: EPG5 (ectopic P-granules 5 autophagy tethering factor; minus strand). Cytogenetic location: 18q12.3.
Variant type: single nucleotide variant.
Coding change: c.4708C>A on transcript NM_020964.3 (MANE Select); coding-DNA position 4708, C replaced by A.
Protein change: p.Pro1570Thr; replaces proline 1570 with threonine.
Molecular consequence: missense variant.
Genome position (GRCh38, 1-based): chr18:45,899,505, G>T on the plus strand (C>A on the coding strand, the complement: EPG5 is on the minus strand). VCF-style: chr18-45899505-G-T. GRCh37 (hg19) VCF-style: chr18-43479470-G-T.
Other names: c.4708C>A, p.Pro1570Thr (NM_001410858.1, NM_001410859.1); short protein forms P1570T.
Identifiers: ClinVar variation 1980601 (VCV001980601.1), dbSNP rs2049556450, ClinGen allele CA402336968.

ClinVar aggregate classification (germline): Uncertain significance (1 of 4 stars; one submission).

Conditions:
Vici syndrome (VICIS). Identifiers: Orphanet 1493, MedGen C1855772, MONDO:0009452, OMIM 242840.

Allele frequency attached by ClinVar (database versions not stated): TOPMed below 0.00001.

Submission:

Labcorp Genetics (formerly Invitae), Labcorp
Classification: Uncertain significance for Vici syndrome. Last evaluated: 2022-03-30. Review status: criteria provided, single submitter. Criteria: Invitae Variant Classification Sherloc (09022015). Collection method: clinical testing. Allele origin: germline.
Comment: This sequence change replaces proline, which is neutral and non-polar, with threonine, which is neutral and polar, at codon 1570 of the EPG5 protein (p.Pro1570Thr). This variant is not present in population databases (gnomAD no frequency). This variant has not been reported in the literature in individuals affected with EPG5-related conditions. Algorithms developed to predict the effect of missense changes on protein structure and function are either unavailable or do not agree on the potential impact of this missense change (SIFT: "Deleterious"; PolyPhen-2: "Probably Damaging"; Align-GVGD: "Class C0"). In summary, the available evidence is currently insufficient to determine the role of this variant in disease. Therefore, it has been classified as a Variant of Uncertain Significance.